The following is an entry in ClinVar:

NM_005121.3(MED13):c.6085T>C (p.Ser2029Pro)

Gene: MED13 (mediator complex subunit 13; minus strand). Cytogenetic location: 17q23.2.
Variant type: single nucleotide variant.
Coding change: c.6085T>C on transcript NM_005121.3 (MANE Select); coding-DNA position 6085, T replaced by C.
Protein change: p.Ser2029Pro; replaces serine 2029 with proline.
Molecular consequence: missense variant.
Genome position (GRCh38, 1-based): chr17:61,952,997, A>G on the plus strand (T>C on the coding strand, the complement: MED13 is on the minus strand). VCF-style: chr17-61952997-A-G. GRCh37 (hg19) VCF-style: chr17-60030358-A-G.
Other names: short protein forms S2029P.
Identifiers: ClinVar variation 4624797 (VCV004624797.2).

ClinVar aggregate classification (germline): Likely pathogenic (1 of 4 stars; one submission).

Conditions:
Inborn genetic diseases. Identifiers: MedGen C0950123, MeSH D030342.

Submission:

Ambry Genetics
Classification: Likely pathogenic for Inborn genetic diseases. Last evaluated: 2026-01-21. Review status: criteria provided, single submitter. Criteria: Ambry Variant Classification Scheme 2023. Collection method: clinical testing. Allele origin: germline.
Comment: The c.6085T>C (p.S2029P) alteration is located in exon 27 (coding exon 27) of the MED13 gene. This alteration results from a T to C substitution at nucleotide position 6085, causing the serine (S) at amino acid position 2029 to be replaced by a proline (P). This variant was not reported in population-based cohorts in the Genome Aggregation Database (gnomAD). This amino acid position is highly conserved in available vertebrate species. This alteration is predicted to be deleterious by in silico analysis. Based on the available evidence, this alteration is classified as likely pathogenic.